The following is an entry in ClinVar:

NC_000009.12:g.(?_134842147)_(134842313_?)del

Gene: COL5A1 (collagen type V alpha 1 chain; plus strand). Cytogenetic location: 9q34.3.
Variant type: Deletion.
Identifiers: ClinVar variation 831912 (VCV000831912.4).

ClinVar aggregate classification (germline): Uncertain significance (1 of 4 stars; one submission).

Conditions:
Ehlers-Danlos syndrome, classic type (cEDS). Identifiers: Orphanet 287, MedGen C4225429, MONDO:0007522.

Submission:

Labcorp Genetics (formerly Invitae), Labcorp
Classification: Uncertain significance for Ehlers-Danlos syndrome, type 1. Last evaluated: 2019-10-10. Review status: criteria provided, single submitter. Criteria: Invitae Variant Classification Sherloc (09022015). Collection method: clinical testing. Allele origin: germline.
Comment: This variant is a gross deletion of the genomic region encompassing exon 66 of the COL5A1 gene. The 5' boundary is likely confined to intron 65. The 3' end of this event is unknown as it extends through the termination codon beyond the assayed region for this gene and may encompass additional genes. While this deletion is not anticipated to result in nonsense mediated decay, it is expected to create a truncated protein product or disrupt mRNA translation. This variant has not been reported in the literature in individuals with COL5A1-related disease. In summary, the available evidence is currently insufficient to determine the role of this variant in disease. Therefore, it has been classified as a Variant of Uncertain Significance.